The following is an entry in ClinVar:

NM_000372.5(TYR):c.251T>G (p.Phe84Cys)

Gene: TYR (tyrosinase; plus strand). Cytogenetic location: 11q14.3.
Variant type: single nucleotide variant.
Coding change: c.251T>G on transcript NM_000372.5 (MANE Select); coding-DNA position 251, T replaced by G.
Protein change: p.Phe84Cys; replaces phenylalanine 84 with cysteine.
Molecular consequence: missense variant.
Genome position (GRCh38, 1-based): chr11:89,178,204, T>G. VCF-style: chr11-89178204-T-G. GRCh37 (hg19) VCF-style: chr11-88911372-T-G.
Other names: short protein forms F84C.
Identifiers: ClinVar variation 5004200 (VCV005004200.1).

ClinVar aggregate classification (germline): Uncertain significance (1 of 4 stars; one submission).

Conditions:
Oculocutaneous albinism type 1. Also called: Albinism 1; ALBINISM I. Identifiers: Orphanet 352731, MedGen C0268494, MONDO:0018135. Disease mechanism: loss of function.

Submission:

Myriad Genetics, Inc.
Classification: Uncertain significance for Oculocutaneous albinism type 1. Last evaluated: 2025-09-30. Review status: criteria provided, single submitter. Criteria: Myriad Autosomal Dominant, Autosomal Recessive and X-Linked Classification Criteria (2023). Collection method: clinical testing. Allele origin: unknown.
Comment: NM_000372.4(TYR):c.251T>G(F84C) is a missense variant classified as a variant of uncertain significance in the context of oculocutaneous albinism, TYR-related. F84C has been observed in a case with relevant disease (PMID: 27734839). Relevant functional assessments of this variant are not available in the literature. F84C has not been observed in referenced population frequency databases. In summary, there is insufficient evidence to classify NM_000372.4(TYR):c.251T>G(F84C) as pathogenic or benign. Please note: this variant was assessed in the context of healthy population screening.

Literature cited by the submitters: PubMed 27734839.